The following is an entry in ClinVar:

NM_001987.5(ETV6):c.1190C>T (p.Ala397Val)

Gene: ETV6 (ETS variant transcription factor 6; plus strand). Cytogenetic location: 12p13.2.
Variant type: single nucleotide variant.
Coding change: c.1190C>T on transcript NM_001987.5 (MANE Select); coding-DNA position 1190, C replaced by T.
Protein change: p.Ala397Val; replaces alanine 397 with valine.
Molecular consequence: missense variant.
Genome position (GRCh38, 1-based): chr12:11,885,963, C>T. VCF-style: chr12-11885963-C-T. GRCh37 (hg19) VCF-style: chr12-12038897-C-T.
Other names: short protein forms A397V.
Identifiers: ClinVar variation 1719833 (VCV001719833.5), dbSNP rs2136602266, ClinGen allele CA384044891.
Genomic context (GRCh38, chr12:11,885,963, plus strand): 5'-CCCTTCCTCCTTTGAACAAACAGAACAGAACAAACATGACCTATGAGAAAATGTCCAGAG[C>T]CCTGCGCCACTACTACAAACTAAACATTATCAGGAAGGAGCCAGGACAAAGGCTTTTGTT-3'
Protein context (NP_001978.1, residues 387-407): TNMTYEKMSR[Ala397Val]LRHYYKLNII

ClinVar aggregate classification (germline): Uncertain significance (1 of 4 stars; one submission).

Submission:

Labcorp Genetics (formerly Invitae), Labcorp
Classification: Uncertain significance. Last evaluated: 2022-09-20. Review status: criteria provided, single submitter. Criteria: Invitae Variant Classification Sherloc (09022015). Collection method: clinical testing. Allele origin: germline.
Comment: This sequence change replaces alanine, which is neutral and non-polar, with valine, which is neutral and non-polar, at codon 397 of the ETV6 protein (p.Ala397Val). This variant is not present in population databases (gnomAD no frequency). This variant has not been reported in the literature in individuals affected with ETV6-related conditions. Advanced modeling of protein sequence and biophysical properties (such as structural, functional, and spatial information, amino acid conservation, physicochemical variation, residue mobility, and thermodynamic stability) performed at Invitae indicates that this missense variant is expected to disrupt ETV6 protein function. In summary, the available evidence is currently insufficient to determine the role of this variant in disease. Therefore, it has been classified as a Variant of Uncertain Significance.